The following is an entry in ClinVar:

NM_001999.4(FBN2):c.3583C>T (p.Arg1195Cys)

Gene: FBN2 (fibrillin 2; minus strand). Cytogenetic location: 5q23.3.
Variant type: single nucleotide variant.
Coding change: c.3583C>T on transcript NM_001999.4 (MANE Select); coding-DNA position 3583, C replaced by T.
Protein change: p.Arg1195Cys; replaces arginine 1195 with cysteine.
Molecular consequence: missense variant.
Genome position (GRCh38, 1-based): chr5:128,338,012, G>A on the plus strand (C>T on the coding strand, the complement: FBN2 is on the minus strand). VCF-style: chr5-128338012-G-A. GRCh37 (hg19) VCF-style: chr5-127673704-G-A.
Other names: short protein forms R1195C.
Identifiers: ClinVar variation 213312 (VCV000213312.13), dbSNP rs757232992, ClinGen allele CA325002.

ClinVar aggregate classification (germline): Uncertain significance. Review status: criteria provided, multiple submitters, no conflicts (2 of 4 stars). 4 submissions from 4 submitters: Uncertain significance (4). Last evaluated 2025-07-09.

Conditions:
Congenital contractural arachnodactyly (CCA). Also called: Beals-Hecht syndrome; BEALS SYNDROME; Arthrogryposis, distal, type 9. Identifiers: Orphanet 115, MedGen C0220668, MONDO:0007363, OMIM 121050.
Familial thoracic aortic aneurysm and aortic dissection (TAAD). Also called: Thoracic aortic aneurysms and dissections. Identifiers: Orphanet 91387, MedGen C4707243, MONDO:0019625.

Allele frequency attached by ClinVar (database versions not stated): gnomAD exomes below 0.00001 and 0.00002; TOPMed below 0.00001; ExAC 0.00001; gnomAD 0.00001.
gnomAD v4.1: 33 of 1,614,004 alleles (0.002%); highest among the groups gnomAD compares: African/African-American, 0.0027%; 1 homozygote.

Submissions (4):

Ambry Genetics
Classification: Uncertain significance for Familial thoracic aortic aneurysm and aortic dissection. Last evaluated: 2025-07-09. Review status: criteria provided, single submitter. Criteria: Ambry Variant Classification Scheme 2023. Collection method: clinical testing. Allele origin: germline.
Comment: The p.R1195C variant (also known as c.3583C>T), located in coding exon 27 of the FBN2 gene, results from a C to T substitution at nucleotide position 3583. The arginine at codon 1195 is replaced by cysteine, an amino acid with highly dissimilar properties. In one study, 13 of 14 reported FBN2 mutations were located in the middle region of the gene (exons 24-36), and 7 of these mutations were noted to alter or produce a cysteine residue (Callewaert BL et al. Hum Mutat. 2009;30(3):334-341). This amino acid position is well conserved in available vertebrate species. In addition, the in silico prediction for this alteration is inconclusive. Based on the available evidence, the clinical significance of this variant remains unclear.

Labcorp Genetics (formerly Invitae), Labcorp
Classification: Uncertain significance for Congenital contractural arachnodactyly. Last evaluated: 2025-04-26. Review status: criteria provided, single submitter. Criteria: Invitae Variant Classification Sherloc (09022015). Collection method: clinical testing. Allele origin: germline.
Comment: This sequence change replaces arginine, which is basic and polar, with cysteine, which is neutral and slightly polar, at codon 1195 of the FBN2 protein (p.Arg1195Cys). This variant is not present in population databases (gnomAD no frequency). This variant has not been reported in the literature in individuals affected with FBN2-related conditions. ClinVar contains an entry for this variant (Variation ID: 213312). Invitae Evidence Modeling of protein sequence and biophysical properties (such as structural, functional, and spatial information, amino acid conservation, physicochemical variation, residue mobility, and thermodynamic stability) indicates that this missense variant is not expected to disrupt FBN2 protein function with a negative predictive value of 80%. In summary, the available evidence is currently insufficient to determine the role of this variant in disease. Therefore, it has been classified as a Variant of Uncertain Significance.

Women's Health and Genetics/Laboratory Corporation of America, LabCorp
Classification: Uncertain significance. Last evaluated: 2024-10-20. Review status: criteria provided, single submitter. Criteria: LabCorp Variant Classification Summary - May 2015. Collection method: clinical testing. Allele origin: germline.

GeneDx
Classification: Uncertain significance. Last evaluated: 2020-07-15. Review status: criteria provided, single submitter. Criteria: GeneDx Variant Classification Process June 2021. Collection method: clinical testing. Allele origin: germline. Affected: yes.
Comment: Has not been previously published as pathogenic or benign to our knowledge; Not observed at a significant frequency in large population cohorts (Lek et al., 2016); In silico analysis supports that this missense variant has a deleterious effect on protein structure/function; Reported in ClinVar as a variant of uncertain significance (ClinVar Variant ID# 213312; Landrum et al., 2016)